The following is an entry in ClinVar:

NM_153026.3(PRICKLE1):c.27G>A (p.Met9Ile)

Gene: PRICKLE1 (prickle planar cell polarity protein 1; minus strand). Cytogenetic location: 12q12.
Variant type: single nucleotide variant.
Coding change: c.27G>A on transcript NM_153026.3 (MANE Select); coding-DNA position 27, G replaced by A.
Protein change: p.Met9Ile; replaces methionine 9 with isoleucine.
Molecular consequence: missense variant.
Genome position (GRCh38, 1-based): chr12:42,472,490, C>T on the plus strand (G>A on the coding strand, the complement: PRICKLE1 is on the minus strand). VCF-style: chr12-42472490-C-T. GRCh37 (hg19) VCF-style: chr12-42866292-C-T.
Other names: c.27G>A, p.Met9Ile (NM_001144881.2, NM_001144882.2, NM_001144883.2); short protein forms M9I.
Identifiers: ClinVar variation 1005603 (VCV001005603.8), dbSNP rs1938365238, ClinGen allele CA384444927.

ClinVar aggregate classification (germline): Uncertain significance (1 of 4 stars; one submission).

Conditions:
Epilepsy, progressive myoclonic, 1B. Also called: PME. Identifiers: Orphanet 308, MedGen C2676254, MONDO:0012904, OMIM 612437.

Allele frequency attached by ClinVar (database versions not stated): TOPMed below 0.00001.

Submission:

Labcorp Genetics (formerly Invitae), Labcorp
Classification: Uncertain significance for Epilepsy, progressive myoclonic, 1B. Last evaluated: 2023-10-03. Review status: criteria provided, single submitter. Criteria: Invitae Variant Classification Sherloc (09022015). Collection method: clinical testing. Allele origin: germline.
Comment: This sequence change replaces methionine, which is neutral and non-polar, with isoleucine, which is neutral and non-polar, at codon 9 of the PRICKLE1 protein (p.Met9Ile). This variant is not present in population databases (gnomAD no frequency). This variant has not been reported in the literature in individuals affected with PRICKLE1-related conditions. ClinVar contains an entry for this variant (Variation ID: 1005603). An algorithm developed to predict the effect of missense changes on protein structure and function (PolyPhen-2) suggests that this variant is likely to be tolerated. In summary, the available evidence is currently insufficient to determine the role of this variant in disease. Therefore, it has been classified as a Variant of Uncertain Significance.